The following is an entry in ClinVar:

ClinVar aggregate classification (germline): Pathogenic (1 of 4 stars; one submission).

Conditions:
Nemaline myopathy 2 (NEM2). Also called: Nemaline myopathy 2, autosomal recessive. Identifiers: MedGen C1850569, MONDO:0009725, OMIM 256030.

Submission:

Myriad Genetics, Inc.
Classification: Pathogenic for Nemaline myopathy 2. Last evaluated: 2025-12-15. Review status: criteria provided, single submitter. Criteria: Myriad Autosomal Dominant, Autosomal Recessive and X-Linked Classification Criteria (2023). Collection method: clinical testing. Allele origin: unknown.
Comment: NM_001271208.1(NEB):c.5168_5183del16(L1723Pfs*15) is expected to be pathogenic in the context of NEB-related nemaline myopathy. This variant is predicted to lead to an abnormal or absent protein product due to the creation of a premature termination codon in NEB, a gene where loss-of-function variants are known to be pathogenic. Please note: this variant was assessed in the context of healthy population screening.

NM_001164508.2(NEB):c.5168_5183del (p.Leu1723fs)

Gene: NEB (nebulin; minus strand). Cytogenetic location: 2q23.3.
Variant type: Deletion.
Coding change: c.5168_5183del on transcript NM_001164508.2 (MANE Select); coding-DNA positions 5168 to 5183, 16 bases deleted (TGAAGTTCACTTACGC).
Protein change: p.Leu1723fs; shifts the reading frame from leucine 1723.
Molecular consequence: frameshift variant.
Genome position (GRCh38, 1-based): chr2:151,665,388-151,665,403, GCGTAAGTGAACTTCA deleted on the plus strand (TGAAGTTCACTTACGC on the coding strand, the reverse complement: NEB is on the minus strand); deleting any 16 consecutive bases within chr2:151,665,388-151,665,405 gives the same sequence; the c. name uses the placement nearest the transcript's 3' end. VCF-style (leftmost placement, unchanged base first): chr2-151665387-GGCGTAAGTGAACTTCA-G. GRCh37 (hg19) VCF-style: chr2-152521901-GGCGTAAGTGAACTTCA-G.
Other names: c.5168_5183del, p.Leu1723fs (NM_001164507.2, NM_001271208.2, NM_004543.5); short protein forms L1723fs.
Identifiers: ClinVar variation 5015329 (VCV005015329.1).